The following is an entry in ClinVar:

ClinVar aggregate classification (germline): Uncertain significance. Review status: criteria provided, multiple submitters, no conflicts (2 of 4 stars). 2 submissions from 2 submitters: Uncertain significance (2). Last evaluated 2023-11-24.

Conditions:
Bethlem myopathy 1A. Also called: Bethlem myopathy 1; MYOPATHY, BENIGN CONGENITAL, WITH CONTRACTURES; Bethlem Muscular Dystrophy. Identifiers: Orphanet 610, MedGen CN029274, MONDO:0024530, OMIM 158810.

Allele frequency attached by ClinVar (database versions not stated): TOPMed below 0.00001.

Submissions (2):

Labcorp Genetics (formerly Invitae), Labcorp
Classification: Uncertain significance for Bethlem myopathy 1A. Last evaluated: 2023-11-24. Review status: criteria provided, single submitter. Criteria: Invitae Variant Classification Sherloc (09022015). Collection method: clinical testing. Allele origin: germline.
Comment: This sequence change replaces threonine, which is neutral and polar, with asparagine, which is neutral and polar, at codon 670 of the COL6A2 protein (p.Thr670Asn). This variant is not present in population databases (gnomAD no frequency). This missense change has been observed in individual(s) with clinical features of COL6A2-related conditions (PMID: 30564623). ClinVar contains an entry for this variant (Variation ID: 284489). Advanced modeling of protein sequence and biophysical properties (such as structural, functional, and spatial information, amino acid conservation, physicochemical variation, residue mobility, and thermodynamic stability) performed at Invitae indicates that this missense variant is expected to disrupt COL6A2 protein function with a positive predictive value of 80%. In summary, the available evidence is currently insufficient to determine the role of this variant in disease. Therefore, it has been classified as a Variant of Uncertain Significance.

Eurofins Ntd Llc (ga)
Classification: Uncertain significance. Last evaluated: 2015-11-04. Review status: criteria provided, single submitter. Criteria: EGL Classification Definitions 2015. Collection method: clinical testing. Allele origin: germline. Observed: 1 variant allele, 1 heterozygote.

Literature cited by the submitters: PubMed 30564623 (cited by Labcorp Genetics (formerly Invitae), Labcorp).

NM_001849.4(COL6A2):c.2009C>A (p.Thr670Asn)

Gene: COL6A2 (collagen type VI alpha 2 chain; plus strand). Cytogenetic location: 21q22.3.
Variant type: single nucleotide variant.
Coding change: c.2009C>A on transcript NM_001849.4 (MANE Select); coding-DNA position 2009, C replaced by A.
Protein change: p.Thr670Asn; replaces threonine 670 with asparagine.
Molecular consequence: missense variant.
Genome position (GRCh38, 1-based): chr21:46,125,824, C>A. VCF-style: chr21-46125824-C-A. GRCh37 (hg19) VCF-style: chr21-47545738-C-A.
Other names: c.2009C>A, p.Thr670Asn (NM_058174.3, NM_058175.3); short protein forms T670N.
Identifiers: ClinVar variation 284489 (VCV000284489.8), dbSNP rs886042884, ClinGen allele CA10604812.